The following is an entry in ClinVar:

ClinVar aggregate classification (germline): Likely benign (0 of 4 stars; one submission).

Conditions:
DLGAP2-related disorder. Also called: DLGAP2-related condition.

Allele frequency attached by ClinVar (database versions not stated): gnomAD 0.00001.
gnomAD v4.1: 14 of 1,613,302 alleles (0.00087%); highest among the groups gnomAD compares: Non-Finnish European, 0.0011%; no homozygotes.

Submission:

PreventionGenetics, part of Exact Sciences
Classification: Likely benign for DLGAP2-related condition. Last evaluated: 2019-05-23. Review status: no assertion criteria provided. Collection method: clinical testing. Allele origin: germline.
Comment: This variant is classified as likely benign based on ACMG/AMP sequence variant interpretation guidelines (Richards et al. 2015 PMID: 25741868, with internal and published modifications).

NM_001346810.2(DLGAP2):c.966C>T (p.Pro322=)

Gene: DLGAP2 (DLG associated protein 2; plus strand). Cytogenetic location: 8p23.3.
Variant type: single nucleotide variant.
Coding change: c.966C>T on transcript NM_001346810.2 (MANE Select); coding-DNA position 966, C replaced by T.
Protein change: p.Pro322=; no amino-acid change (proline 322 retained).
Molecular consequence: synonymous variant.
Genome position (GRCh38, 1-based): chr8:1,549,419, C>T. VCF-style: chr8-1549419-C-T. GRCh37 (hg19) VCF-style: chr8-1497585-C-T.
Identifiers: ClinVar variation 3038617 (VCV003038617.2), dbSNP rs1304258576, ClinGen allele CA459142006.